The following is an entry in ClinVar:

NM_004629.2(FANCG):c.1077G>A (p.Arg359=)

Gene: FANCG (FA complementation group G; minus strand). Cytogenetic location: 9p13.3.
Variant type: single nucleotide variant.
Coding change: c.1077G>A on transcript NM_004629.2 (MANE Select); coding-DNA position 1077, G replaced by A.
Protein change: p.Arg359=; no amino-acid change (arginine 359 retained).
Molecular consequence: synonymous variant.
Genome position (GRCh38, 1-based): chr9:35,076,028, C>T on the plus strand (G>A on the coding strand, the complement: FANCG is on the minus strand). VCF-style: chr9-35076028-C-T. GRCh37 (hg19) VCF-style: chr9-35076025-C-T.
Other names: c.1077G>A (NM_004629.1).
Identifiers: ClinVar variation 1426691 (VCV001426691.9), dbSNP rs901079231, ClinGen allele CA192693566.

ClinVar aggregate classification (germline): Uncertain significance. Review status: criteria provided, multiple submitters, no conflicts (2 of 4 stars). 2 submissions from 2 submitters: Uncertain significance (2). Last evaluated 2024-05-31.

Conditions:
Fanconi anemia complementation group G. Also called: Fanconi anemia group G; FANCG-Related Fanconi Anemia. Identifiers: Orphanet 84, MedGen C3469527, MONDO:0013565, OMIM 614082.
Fanconi anemia (FA). Also called: Fanconi's anemia. Identifiers: Orphanet 84, MedGen C0015625, MeSH D005199, MONDO:0019391.

Allele frequency attached by ClinVar (database versions not stated): gnomAD exomes 0.00001; TOPMed 0.00001.

Submissions (2):

Labcorp Genetics (formerly Invitae), Labcorp
Classification: Uncertain significance for Fanconi anemia. Last evaluated: 2024-05-31. Review status: criteria provided, single submitter. Criteria: Invitae Variant Classification Sherloc (09022015). Collection method: clinical testing. Allele origin: germline.
Comment: This sequence change affects codon 359 of the FANCG mRNA. It is a 'silent' change, meaning that it does not change the encoded amino acid sequence of the FANCG protein. It affects a nucleotide within the consensus splice site. This variant is present in population databases (no rsID available, gnomAD 0.003%). This variant has not been reported in the literature in individuals affected with FANCG-related conditions. ClinVar contains an entry for this variant (Variation ID: 1426691). Algorithms developed to predict the effect of sequence changes on RNA splicing suggest that this variant may disrupt the consensus splice site. In summary, the available evidence is currently insufficient to determine the role of this variant in disease. Therefore, it has been classified as a Variant of Uncertain Significance.

St. Jude Molecular Pathology, St. Jude Children's Research Hospital
Classification: Uncertain significance for Fanconi anemia complementation group G. Last evaluated: 2023-05-31. Review status: criteria provided, single submitter. Criteria: St. Jude Assertion Criteria 2020. Collection method: clinical testing. Allele origin: germline.
Comment: The FANCG c.1077G>A (p.Arg359=) synonymous change has a maximum subpopulation frequency of 0.0026% in gnomAD v2.1.1. Algorithms that predict the impact of sequence changes on splicing indicate that this change may impact splicing, but to our knowledge these predictions have not been confirmed by RNA studies. To our knowledge, this variant has not been reported in individuals with Fanconi anemia. In summary, the evidence currently available is insufficient to determine the clinical significance of this variant. It has therefore been classified as of uncertain significance.